The following is an entry in ClinVar:

ClinVar aggregate classification (germline): Pathogenic (1 of 4 stars; one submission).

Conditions:
Inborn genetic diseases. Identifiers: MedGen C0950123, MeSH D030342.

Submission:

Ambry Genetics
Classification: Pathogenic for Inborn genetic diseases. Last evaluated: 2026-07-15. Review status: criteria provided, single submitter. Criteria: Ambry Variant Classification Scheme 2023. Collection method: clinical testing. Allele origin: germline.
Comment: The c.1076delG pathogenic mutation, located in coding exon 3 of the MBD4 gene, results from a deletion of one nucleotide at nucleotide position 1076, causing a translational frameshift with a predicted alternate stop codon (p.G359Efs*4). This variant is considered to be rare based on population cohorts in the Genome Aggregation Database (gnomAD). This alteration is expected to result in loss of function by premature protein truncation or nonsense-mediated mRNA decay. As such, this alteration is interpreted as a disease-causing mutation.

NM_001276270.2(MBD4):c.1076del (p.Gly359fs)

Gene: MBD4 (methyl-CpG binding domain 4, DNA glycosylase; minus strand). Cytogenetic location: 3q21.3.
Variant type: Deletion.
Coding change: c.1076del on transcript NM_001276270.2 (MANE Select); coding-DNA position 1076, one base deleted (G; older notation c.1076delG).
Protein change: p.Gly359fs; shifts the reading frame from glycine 359.
Molecular consequence: frameshift variant. On other transcripts: intron variant (1).
Genome position (GRCh38, 1-based): chr3:129,436,568, C deleted on the plus strand (G on the coding strand, the reverse complement: MBD4 is on the minus strand); the first of 2 consecutive C bases (chr3:129,436,568-129,436,569); deleting either gives the same sequence. VCF-style (leftmost placement, unchanged base first): chr3-129436567-TC-T. GRCh37 (hg19) VCF-style: chr3-129155410-TC-T.
Other names: c.1076delG (NM_001276270.2); c.1076del, p.Gly359fs (NM_001276271.2, NM_001276272.2, NM_003925.3); c.247+1240del (NM_001276273.2); short protein forms G359fs.
Identifiers: ClinVar variation 5024020 (VCV005024020.1).